The following is an entry in ClinVar:

NM_000245.4(MET):c.887T>C (p.Leu296Pro)

Gene: MET (MET proto-oncogene, receptor tyrosine kinase; plus strand). Cytogenetic location: 7q31.2.
Variant type: single nucleotide variant.
Coding change: c.887T>C on transcript NM_000245.4 (MANE Select); coding-DNA position 887, T replaced by C.
Protein change: p.Leu296Pro; replaces leucine 296 with proline.
Molecular consequence: missense variant. On other transcripts: intron variant (1).
Genome position (GRCh38, 1-based): chr7:116,699,971, T>C. VCF-style: chr7-116699971-T-C. GRCh37 (hg19) VCF-style: chr7-116340025-T-C.
Other names: c.887T>C, p.Leu296Pro (NM_001324401.3, NM_001127500.3); c.-91+27394T>C (NM_001324402.2); short protein forms L296P.
Identifiers: ClinVar variation 4694258 (VCV004694258.2).
Genomic context (GRCh38, chr7:116,699,971, plus strand): 5'-CAAGAATAATCAGGTTCTGTTCCATAAACTCTGGATTGCATTCCTACATGGAAATGCCTC[T>C]GGAGTGTATTCTCACAGAAAAGAGAAAAAAGAGATCCACAAAGAAGGAAGTGTTTAATAT-3'
Protein context (NP_000236.2, residues 286-306): SGLHSYMEMP[Leu296Pro]ECILTEKRKK

ClinVar aggregate classification (germline): Uncertain significance. Review status: criteria provided, multiple submitters, no conflicts (2 of 4 stars). 2 submissions from 2 submitters: Uncertain significance (2). Last evaluated 2026-04-09.

Conditions:
Hereditary cancer-predisposing syndrome. Also called: Neoplastic Syndromes, Hereditary; Tumor predisposition; Hereditary Cancer Syndrome; Hereditary neoplastic syndrome. Identifiers: Orphanet 140162, MedGen C0027672, MeSH D009386, MONDO:0015356.
Renal cell carcinoma. Identifiers: Orphanet 217071, MedGen C0007134, MeSH D002292, MONDO:0005086, HP:0005584.

Submissions (2):

Ambry Genetics
Classification: Uncertain significance for Hereditary cancer-predisposing syndrome. Last evaluated: 2026-04-09. Review status: criteria provided, single submitter. Criteria: Ambry Variant Classification Scheme 2023. Collection method: clinical testing. Allele origin: germline.
Comment: The p.L296P variant (also known as c.887T>C), located in coding exon 1 of the MET gene, results from a T to C substitution at nucleotide position 887. The leucine at codon 296 is replaced by proline, an amino acid with similar properties. This amino acid position is conserved. In addition, this alteration is predicted to be deleterious by in silico analysis. Based on the available evidence, the clinical significance of this variant remains unclear.

Labcorp Genetics (formerly Invitae), Labcorp
Classification: Uncertain significance for Renal cell carcinoma. Last evaluated: 2025-07-08. Review status: criteria provided, single submitter. Criteria: Invitae Variant Classification Sherloc (09022015). Collection method: clinical testing. Allele origin: germline.
Comment: This sequence change replaces leucine, which is neutral and non-polar, with proline, which is neutral and non-polar, at codon 296 of the MET protein (p.Leu296Pro). This variant is not present in population databases (gnomAD no frequency). This variant has not been reported in the literature in individuals affected with MET-related conditions. Invitae Evidence Modeling of protein sequence and biophysical properties (such as structural, functional, and spatial information, amino acid conservation, physicochemical variation, residue mobility, and thermodynamic stability) indicates that this missense variant is expected to disrupt MET protein function with a positive predictive value of 80%. In summary, the available evidence is currently insufficient to determine the role of this variant in disease. Therefore, it has been classified as a Variant of Uncertain Significance.